The following is an entry in ClinVar:

NM_021813.4(BACH2):c.955A>G (p.Thr319Ala)

Gene: BACH2 (BACH transcriptional regulator 2; minus strand). Cytogenetic location: 6q15.
Variant type: single nucleotide variant.
Coding change: c.955A>G on transcript NM_021813.4 (MANE Select); coding-DNA position 955, A replaced by G.
Protein change: p.Thr319Ala; replaces threonine 319 with alanine.
Molecular consequence: missense variant.
Genome position (GRCh38, 1-based): chr6:89,951,151, T>C on the plus strand (A>G on the coding strand, the complement: BACH2 is on the minus strand). VCF-style: chr6-89951151-T-C. GRCh37 (hg19) VCF-style: chr6-90660870-T-C.
Other names: c.955A>G (NM_021813.2); c.955A>G, p.Thr319Ala (NM_001170794.2); short protein forms T319A.
Identifiers: ClinVar variation 636831 (VCV000636831.49), dbSNP rs754815178, ClinGen allele CA3928077.
Genomic context (GRCh38, chr6:89,951,151, plus strand): 5'-AGGGCGAGGCCACGCTCCTGGATCTCTCCAGGCAGGCGGCCCCAGCTGGGGCCGTGGGGG[T>C]AGGGGCAGGGCTGGGCTGTTTCCGGTCCATCTCGACATCCCCCGCTCTGTCCTTGGCGTC-3'
Protein context (NP_068585.1, residues 309-329): MDRKQPSPAP[Thr319Ala]PTAPAGAACL

ClinVar aggregate classification (germline): Conflicting classifications of pathogenicity. Review status: criteria provided, conflicting classifications (1 of 4 stars). 5 submissions from 5 submitters: Uncertain significance (4); Likely benign (1). Last evaluated 2024-06-24.

Conditions:
Immunodeficiency 60. Also called: IMMUNODEFICIENCY AND AUTOIMMUNITY, BACH2-RELATED; IMMUNODEFICIENCY 60 AND AUTOIMMUNITY. Identifiers: MedGen C5193072, MONDO:0032723, OMIM 618394.

Allele frequency attached by ClinVar (database versions not stated): gnomAD 0.00001; TOPMed 0.00001.
gnomAD v4.1: 31 of 1,590,010 alleles (0.0019%); highest among the groups gnomAD compares: South Asian, 0.023%; no homozygotes.

Submissions (5):

Labcorp Genetics (formerly Invitae), Labcorp
Classification: Uncertain significance. Last evaluated: 2024-06-24. Review status: criteria provided, single submitter. Criteria: Invitae Variant Classification Sherloc (09022015). Collection method: clinical testing. Allele origin: germline.
Comment: This sequence change replaces threonine, which is neutral and polar, with alanine, which is neutral and non-polar, at codon 319 of the BACH2 protein (p.Thr319Ala). The frequency data for this variant in the population databases is considered unreliable, as metrics indicate poor data quality at this position in the gnomAD database. This variant has not been reported in the literature in individuals affected with BACH2-related conditions. ClinVar contains an entry for this variant (Variation ID: 636831). Algorithms developed to predict the effect of missense changes on protein structure and function output the following: SIFT: "Not Available"; PolyPhen-2: "Benign"; Align-GVGD: "Not Available". The alanine amino acid residue is found in multiple mammalian species, which suggests that this missense change does not adversely affect protein function. In summary, the available evidence is currently insufficient to determine the role of this variant in disease. Therefore, it has been classified as a Variant of Uncertain Significance.

Ambry Genetics
Classification: Likely benign. Last evaluated: 2024-04-22. Review status: criteria provided, single submitter. Criteria: Ambry Variant Classification Scheme 2023. Collection method: clinical testing. Allele origin: germline.

Center for Genomics, Ann and Robert H. Lurie Children's Hospital of Chicago
Classification: Uncertain significance for Immunodeficiency 60. Last evaluated: 2022-10-05. Review status: criteria provided, single submitter. Criteria: ACMG Guidelines, 2015. Collection method: clinical testing. Allele origin: germline.
Comment: This variant has not been reported in the literature but is present in the Genome Aggregation Database (Highest reported MAF 0.001% (1/67156). This variant is present in ClinVar (Variation ID:636831). This variant amino acid Alanine (Ala) is present in several species including multiple mammals and is not well conserved among evolutionarily distant species; this suggests that this variant may not impact the protein. Additional computational prediction tools do not suggest an impact. In summary, data on this variant is insufficient for disease classification. Therefore, the clinical significance of this variant is uncertain.

Blueprint Genetics
Classification: Uncertain significance. Last evaluated: 2022-08-05. Review status: criteria provided, single submitter. Criteria: ACMG Guidelines, 2015. Collection method: clinical testing. Allele origin: germline.

CeGaT Center for Human Genetics Tuebingen
Classification: Uncertain significance. Last evaluated: 2019-02-01. Review status: criteria provided, single submitter. Criteria: CeGaT Center For Human Genetics Tuebingen Variant Classification Criteria Version 2. Collection method: clinical testing. Allele origin: germline. Affected: yes. Observed: 1 variant allele.